The following is an entry in ClinVar:

NM_001267550.2(TTN):c.22747G>A (p.Gly7583Ser)

Gene: TTN (titin; minus strand). Cytogenetic location: 2q31.2.
Variant type: single nucleotide variant.
Coding change: c.22747G>A on transcript NM_001267550.2 (MANE Select); coding-DNA position 22747, G replaced by A.
Protein change: p.Gly7583Ser; replaces glycine 7583 with serine.
Molecular consequence: missense variant. On other transcripts: intron variant (3).
Genome position (GRCh38, 1-based): chr2:178,721,916, C>T on the plus strand (G>A on the coding strand, the complement: TTN is on the minus strand). VCF-style: chr2-178721916-C-T. GRCh37 (hg19) VCF-style: chr2-179586643-C-T.
Other names: c.21796G>A, p.Gly7266Ser (NM_001256850.1); c.19015G>A, p.Gly6339Ser (NM_133378.4); c.13282+16166G>A (NM_003319.4); c.13858+16166G>A (NM_133437.4); c.13657+16166G>A (NM_133432.3); short protein forms G6339S, G7266S, G7583S.
Identifiers: ClinVar variation 1676907 (VCV001676907.2), dbSNP rs2154301460, ClinGen allele CA349520486.

ClinVar aggregate classification (germline): Uncertain significance (1 of 4 stars; one submission).

Submission:

GeneDx
Classification: Uncertain significance. Last evaluated: 2021-10-14. Review status: criteria provided, single submitter. Criteria: GeneDx Variant Classification Process June 2021. Collection method: clinical testing. Allele origin: germline. Affected: yes.
Comment: Has not been previously published as pathogenic or benign to our knowledge; Not observed at significant frequency in large population cohorts (gnomAD); Missense variant in a gene in which most reported pathogenic variants are truncating/loss-of-function